The following is an entry in ClinVar:

ClinVar aggregate classification (germline): Uncertain significance (1 of 4 stars; one submission).

Allele frequency attached by ClinVar (database versions not stated): gnomAD exomes below 0.00001.
gnomAD v4.1: 1 of 1,613,966 alleles (0.000062%); highest among the groups gnomAD compares: Non-Finnish European, 0.000085%; no homozygotes.

Submission:

Labcorp Genetics (formerly Invitae), Labcorp
Classification: Uncertain significance. Last evaluated: 2024-11-11. Review status: criteria provided, single submitter. Criteria: Invitae Variant Classification Sherloc (09022015). Collection method: clinical testing. Allele origin: germline.
Comment: This sequence change replaces isoleucine, which is neutral and non-polar, with methionine, which is neutral and non-polar, at codon 2834 of the LRP2 protein (p.Ile2834Met). This variant is not present in population databases (gnomAD no frequency). This variant has not been reported in the literature in individuals affected with LRP2-related conditions. ClinVar contains an entry for this variant (Variation ID: 2106059). Invitae Evidence Modeling of protein sequence and biophysical properties (such as structural, functional, and spatial information, amino acid conservation, physicochemical variation, residue mobility, and thermodynamic stability) indicates that this missense variant is not expected to disrupt LRP2 protein function with a negative predictive value of 95%. In summary, the available evidence is currently insufficient to determine the role of this variant in disease. Therefore, it has been classified as a Variant of Uncertain Significance.

NM_004525.3(LRP2):c.8502T>G (p.Ile2834Met)

Gene: LRP2 (LDL receptor related protein 2; minus strand). Cytogenetic location: 2q31.1.
Variant type: single nucleotide variant.
Coding change: c.8502T>G on transcript NM_004525.3 (MANE Select); coding-DNA position 8502, T replaced by G.
Protein change: p.Ile2834Met; replaces isoleucine 2834 with methionine.
Molecular consequence: missense variant.
Genome position (GRCh38, 1-based): chr2:169,198,862, A>C on the plus strand (T>G on the coding strand, the complement: LRP2 is on the minus strand). VCF-style: chr2-169198862-A-C. GRCh37 (hg19) VCF-style: chr2-170055372-A-C.
Other names: short protein forms I2834M.
Identifiers: ClinVar variation 2106059 (VCV002106059.4), dbSNP rs1241263170, ClinGen allele CA349163905.
Genomic context (GRCh38, chr2:169,198,862, plus strand): 5'-TTCATCACTGTTATCTCCACAGTCATTGTCTCCGTCACACAAATAAACGCGAGGAATACA[A>C]ATATTTGAATTATGACATTTTGTGTATCCAGACTGGCAAGTGCGATCAGCTTGAAAAAGA-3'
Protein context (NP_004516.2, residues 2824-2844): SGYTKCHNSN[Ile2834Met]CIPRVYLCDG